The following is an entry in ClinVar:

NM_001042492.3(NF1):c.6902T>G (p.Leu2301Ter)

Gene: NF1 (neurofibromin 1; plus strand). Cytogenetic location: 17q11.2.
Variant type: single nucleotide variant.
Coding change: c.6902T>G on transcript NM_001042492.3 (MANE Select); coding-DNA position 6902, T replaced by G.
Protein change: p.Leu2301Ter; replaces leucine 2301 with a stop codon.
Molecular consequence: nonsense.
Genome position (GRCh38, 1-based): chr17:31,338,786, T>G. VCF-style: chr17-31338786-T-G. GRCh37 (hg19) VCF-style: chr17-29665804-T-G.
Other names: c.6839T>G, p.Leu2280Ter (NM_000267.4); short protein forms L2301*, L2280*.
Identifiers: ClinVar variation 844773 (VCV000844773.10), dbSNP rs2069745354, ClinGen allele CA399014417.

ClinVar aggregate classification (germline): Pathogenic. Review status: criteria provided, multiple submitters, no conflicts (2 of 4 stars). 3 submissions from 3 submitters: Pathogenic (3). Last evaluated 2024-05-23.

Conditions:
Neurofibromatosis, type 1 (NF1). Also called: Peripheral type neurofibromatosis; VON RECKLINGHAUSEN DISEASE; Neurofibromatosis, type I; NEUROFIBROMATOSIS, TYPE I, SOMATIC. Identifiers: Orphanet 636, MedGen C0027831, MONDO:0018975, OMIM 162200. Disease mechanism: loss of function.

Submissions (3):

Labcorp Genetics (formerly Invitae), Labcorp
Classification: Pathogenic for Neurofibromatosis, type 1. Last evaluated: 2024-05-23. Review status: criteria provided, single submitter. Criteria: Invitae Variant Classification Sherloc (09022015). Collection method: clinical testing. Allele origin: germline.
Comment: This sequence change creates a premature translational stop signal (p.Leu2280*) in the NF1 gene. It is expected to result in an absent or disrupted protein product. Loss-of-function variants in NF1 are known to be pathogenic (PMID: 10712197, 23913538). This variant is not present in population databases (gnomAD no frequency). This premature translational stop signal has been observed in individual(s) with neurofibromatosis type 1 (PMID: 10712197). ClinVar contains an entry for this variant (Variation ID: 844773). For these reasons, this variant has been classified as Pathogenic.

Genome-Nilou Lab
Classification: Pathogenic for Neurofibromatosis, type 1. Last evaluated: 2022-03-15. Review status: criteria provided, single submitter. Criteria: ACMG Guidelines, 2015. Collection method: clinical testing. Allele origin: germline. Affected: no.

Genome Diagnostics Laboratory, The Hospital for Sick Children
Classification: Pathogenic for Neurofibromatosis, type 1. Last evaluated: 2020-10-26. Review status: criteria provided, single submitter. Criteria: ACMG Guidelines, 2015. Collection method: clinical testing. Allele origin: germline. Affected: yes.

Literature cited by the submitters: PubMed 10712197 (cited by Labcorp Genetics (formerly Invitae), Labcorp); PubMed 23913538 (cited by Labcorp Genetics (formerly Invitae), Labcorp).